The following is an entry in ClinVar:

NM_000232.5(SGCB):c.253_254del (p.Val85fs)

Gene: SGCB (sarcoglycan beta; minus strand). Cytogenetic location: 4q12.
Variant type: Deletion.
Coding change: c.253_254del on transcript NM_000232.5 (MANE Select); coding-DNA positions 253 to 254, 2 bases deleted (GT; older notation c.253_254delGT).
Protein change: p.Val85fs; shifts the reading frame from valine 85.
Molecular consequence: frameshift variant.
Genome position (GRCh38, 1-based): chr4:52,029,853-52,029,854, AC deleted on the plus strand (GT on the coding strand, the reverse complement: SGCB is on the minus strand); deleting any 2 consecutive bases within chr4:52,029,853-52,029,855 gives the same sequence; the c. name uses the placement nearest the transcript's 3' end. VCF-style (leftmost placement, unchanged base first): chr4-52029852-AAC-A. GRCh37 (hg19) VCF-style: chr4-52896018-AAC-A.
Other names: c.253_254delGT (NM_000232.4); short protein forms V85fs.
Identifiers: ClinVar variation 466602 (VCV000466602.13), dbSNP rs1553940274, ClinGen allele CA658657383.
Genomic context (GRCh38, chr4:52,029,852, plus strand): 5'-ACTTTCATGAAACTCCATACTATCACAGCCATTTGGTCCAATGCGAATCACGGCCCAAAT[AAC>A]AAGTGTTATCTGAAAAAGAACACAAGTCCACTGTTGGTAGGCCGCATACATTTAATGTAA-3'

ClinVar aggregate classification (germline): Pathogenic. Review status: criteria provided, multiple submitters, no conflicts (2 of 4 stars). 3 submissions from 3 submitters: Pathogenic (3). Last evaluated 2024-05-08.

Conditions:
Autosomal recessive limb-girdle muscular dystrophy type 2E (LGMDR4). Also called: MUSCULAR DYSTROPHY, LIMB-GIRDLE, AUTOSOMAL RECESSIVE 4. Identifiers: Orphanet 119, MedGen C1858593, MONDO:0011423, OMIM 604286. Disease mechanism: Affects gamma-sarcoglycan and also disrupts the integrity of the entire sarcoglycan complex..

Submissions (3):

Myriad Genetics, Inc.
Classification: Pathogenic for Autosomal recessive limb-girdle muscular dystrophy type 2E. Last evaluated: 2024-05-08. Review status: criteria provided, single submitter. Criteria: Myriad Autosomal Dominant, Autosomal Recessive and X-Linked Classification Criteria (2023). Collection method: clinical testing. Allele origin: unknown.
Comment: NM_000232.4(SGCB):c.253_254delGT(V85Yfs*13) is expected to be pathogenic in the context of beta-sarcoglycanopathy. This variant is predicted to lead to an abnormal or absent protein product due to the creation of a premature termination codon in SGCB, a gene where loss-of-function variants are known to be pathogenic. Please note: this variant was assessed in the context of healthy population screening.

Revvity Omics, Revvity
Classification: Pathogenic for Autosomal recessive limb-girdle muscular dystrophy type 2E. Last evaluated: 2019-07-09. Review status: criteria provided, single submitter. Criteria: ACMG Guidelines, 2015. Collection method: clinical testing. Allele origin: germline.

Labcorp Genetics (formerly Invitae), Labcorp
Classification: Pathogenic for Autosomal recessive limb-girdle muscular dystrophy type 2E. Last evaluated: 2016-10-12. Review status: criteria provided, single submitter. Criteria: Invitae Variant Classification Sherloc (09022015). Collection method: clinical testing. Allele origin: germline.
Comment: For these reasons, this variant has been classified as Pathogenic. While this particular variant has not been reported in the literature, loss-of-function variants in SGCB are known to be pathogenic (PMID: 18285821). This sequence change deletes 2 nucleotides in exon 3 of the SGCB mRNA (c.253_254delGT), causing a frameshift at codon 85. This creates a premature translational stop signal (p.Val85Tyrfs*13) and is expected to result in an absent or disrupted protein product.

Literature cited by the submitters: PubMed 18285821 (cited by Labcorp Genetics (formerly Invitae), Labcorp).